The following is an entry in ClinVar:

ClinVar aggregate classification (germline): Conflicting classifications of pathogenicity. Review status: criteria provided, conflicting classifications (1 of 4 stars). 2 submissions from 2 submitters: Uncertain significance (1); Likely benign (1). Last evaluated 2026-05-01.

Conditions:
Breast-ovarian cancer, familial, susceptibility to, 1 (BROVCA1). Also called: OVARIAN CANCER, SUSCEPTIBILITY TO; BRCA1 Hereditary Breast and Ovarian Cancer. Identifiers: Orphanet 145, MedGen C2676676, MONDO:0011450, OMIM 604370. Disease mechanism: loss of function.
Hereditary cancer-predisposing syndrome. Also called: Neoplastic Syndromes, Hereditary; Tumor predisposition; Hereditary neoplastic syndrome; Hereditary Cancer Syndrome. Identifiers: Orphanet 140162, MedGen C0027672, MeSH D009386, MONDO:0015356.

gnomAD v4.1: 1 of 1,614,174 alleles (0.000062%); highest among the groups gnomAD compares: Non-Finnish European, 0.000085%; no homozygotes.

Submissions (2):

Cancer Bioinformatics and Tumour Evolution Laboratory, Monash University
Classification: Likely benign for Breast-ovarian cancer, familial, susceptibility to, 1. Last evaluated: 2026-05-01. Review status: criteria provided, single submitter. Criteria: ClinGen BRCA1 and BRCA2 Guidelines, 2024. Collection method: curation. Allele origin: germline. Inheritance: Autosomal dominant inheritance.
Comment: Missense variant outside of a functional domain with no splice impact. BRCA1 and BRCA2 VCEP guidelines recommend application of BP1_Strong (PMID: 39142283)

Color Diagnostics, LLC DBA Color Health
Classification: Uncertain significance for Hereditary cancer-predisposing syndrome. Last evaluated: 2025-06-10. Review status: criteria provided, single submitter. Criteria: ACMG Guidelines, 2015. Collection method: clinical testing. Allele origin: germline.
Comment: This missense variant replaces histidine with tyrosine at codon 1244 of the BRCA1 protein. Computational prediction suggests that this variant may not impact protein structure and function. To our knowledge, functional studies have not been reported for this variant. This variant has not been reported in individuals affected with BRCA1-related disorders in the literature. This variant has not been identified in the general population by the Genome Aggregation Database (gnomAD). The available evidence is insufficient to determine the role of this variant in disease conclusively. Therefore, this variant is classified as a Variant of Uncertain Significance.

NM_007294.4(BRCA1):c.3730C>T (p.His1244Tyr)

Genes: BRCA1 (BRCA1 DNA repair associated; minus strand), LOC126862571 (BRD4-independent group 4 enhancer GRCh37_chr17:41243136-41244335; plus strand). Cytogenetic location: 17q21.31.
Variant type: single nucleotide variant.
Coding change: c.3730C>T on transcript NM_007294.4 (MANE Select); coding-DNA position 3730, C replaced by T.
Protein change: p.His1244Tyr; replaces histidine 1244 with tyrosine.
Molecular consequence: missense variant. On other transcripts: intron variant (135).
Genome position (GRCh38, 1-based): chr17:43,091,801, G>A on the plus strand (C>T on the coding strand, the complement: BRCA1 is on the minus strand). VCF-style: chr17-43091801-G-A. GRCh37 (hg19) VCF-style: chr17-41243818-G-A.
Other names: c.3589C>T, p.His1197Tyr (NM_007297.4, NM_001407692.1, NM_001407694.1 and 29 more transcripts); c.3730C>T, p.His1244Tyr (NM_007300.4, NM_001407684.1, NM_001407652.1 and 30 more transcripts); c.647-769C>T (NM_001408458.1, NM_001408469.1, NM_001408453.1 and 11 more transcripts); c.284-769C>T (NM_001408512.1); c.407-769C>T (NM_001408510.1); c.644-769C>T (NM_001408470.1, NM_001408464.1, NM_001408468.1 and 3 more transcripts); c.785-769C>T (NM_001408397.1, NM_001408401.1, NM_001408396.1 and 13 more transcripts); c.665-769C>T (NM_001408436.1, NM_001408444.1, NM_001408438.1 and 12 more transcripts); and 41 more; short protein forms H1076Y, H1116Y, H1117Y, H1132Y, H1133Y, H1155Y, H1156Y, H1173Y.
Identifiers: ClinVar variation 4758277 (VCV004758277.2).